The following is an entry in ClinVar:

ClinVar aggregate classification (germline): Uncertain significance (1 of 4 stars; one submission).

Submission:

Labcorp Genetics (formerly Invitae), Labcorp
Classification: Uncertain significance. Last evaluated: 2025-02-26. Review status: criteria provided, single submitter. Criteria: Invitae Variant Classification Sherloc (09022015). Collection method: clinical testing. Allele origin: germline.
Comment: This sequence change replaces glycine, which is neutral and non-polar, with glutamic acid, which is acidic and polar, at codon 3841 of the HMCN1 protein (p.Gly3841Glu). This variant is not present in population databases (gnomAD no frequency). This variant has not been reported in the literature in individuals affected with HMCN1-related conditions. An algorithm developed to predict the effect of missense changes on protein structure and function (PolyPhen-2) suggests that this variant is likely to be disruptive. In summary, the available evidence is currently insufficient to determine the role of this variant in disease. Therefore, it has been classified as a Variant of Uncertain Significance.

NM_031935.3(HMCN1):c.11522G>A (p.Gly3841Glu)

Gene: HMCN1 (hemicentin 1; plus strand). Cytogenetic location: 1q31.1.
Variant type: single nucleotide variant.
Coding change: c.11522G>A on transcript NM_031935.3 (MANE Select); coding-DNA position 11522, G replaced by A.
Protein change: p.Gly3841Glu; replaces glycine 3841 with glutamic acid.
Molecular consequence: missense variant.
Genome position (GRCh38, 1-based): chr1:186,115,375, G>A. VCF-style: chr1-186115375-G-A. GRCh37 (hg19) VCF-style: chr1-186084507-G-A.
Other names: short protein forms G3841E.
Identifiers: ClinVar variation 4713955 (VCV004713955.1).